The following is an entry in ClinVar:

NM_000426.4(LAMA2):c.4959+6G>A

Gene: LAMA2 (laminin subunit alpha 2; plus strand). Cytogenetic location: 6q22.33.
Variant type: single nucleotide variant.
Coding change: c.4959+6G>A on transcript NM_000426.4 (MANE Select); 6 bases into the intron after coding-DNA position 4959, G replaced by A.
Molecular consequence: intron variant.
Genome position (GRCh38, 1-based): chr6:129,369,996, G>A. VCF-style: chr6-129369996-G-A. GRCh37 (hg19) VCF-style: chr6-129691141-G-A.
Other names: c.4959+6G>A (NM_001079823.2).
Identifiers: ClinVar variation 1416611 (VCV001416611.4), dbSNP rs148060790, ClinGen allele CA818850737.

ClinVar aggregate classification (germline): Conflicting classifications of pathogenicity. Review status: criteria provided, conflicting classifications (1 of 4 stars). 2 submissions from 2 submitters: Uncertain significance (1); Likely benign (1). Last evaluated 2023-06-23.

Conditions:
LAMA2-related muscular dystrophy (LAMA2-RD). Also called: Laminin alpha 2-related dystrophy. Identifiers: MedGen C5679788, MONDO:0100228.

gnomAD v4.1: 19 of 1,612,004 alleles (0.0012%); highest among the groups gnomAD compares: Non-Finnish European, 0.0014%; no homozygotes.

Submissions (2):

Blueprint Genetics
Classification: Likely benign. Last evaluated: 2023-06-23. Review status: criteria provided, single submitter. Criteria: ACMG Guidelines, 2015. Collection method: clinical testing. Allele origin: germline.

Labcorp Genetics (formerly Invitae), Labcorp
Classification: Uncertain significance for LAMA2-related muscular dystrophy. Last evaluated: 2021-11-30. Review status: criteria provided, single submitter. Criteria: Invitae Variant Classification Sherloc (09022015). Collection method: clinical testing. Allele origin: germline.
Comment: This sequence change falls in intron 34 of the LAMA2 gene. It does not directly change the encoded amino acid sequence of the LAMA2 protein. It affects a nucleotide within the consensus splice site. This variant is not present in population databases (gnomAD no frequency). This variant has not been reported in the literature in individuals affected with LAMA2-related conditions. Variants that disrupt the consensus splice site are a relatively common cause of aberrant splicing (PMID: 17576681, 9536098). Algorithms developed to predict the effect of sequence changes on RNA splicing suggest that this variant is not likely to affect RNA splicing. In summary, the available evidence is currently insufficient to determine the role of this variant in disease. Therefore, it has been classified as a Variant of Uncertain Significance.

Literature cited by the submitters: PubMed 17576681 (cited by Labcorp Genetics (formerly Invitae), Labcorp); PubMed 9536098 (cited by Labcorp Genetics (formerly Invitae), Labcorp).